The following is an entry in ClinVar:

ClinVar aggregate classification (germline): Uncertain significance (1 of 4 stars; one submission).

Allele frequency attached by ClinVar (database versions not stated): gnomAD 0.00001.

Submission:

Labcorp Genetics (formerly Invitae), Labcorp
Classification: Uncertain significance. Last evaluated: 2022-08-12. Review status: criteria provided, single submitter. Criteria: Invitae Variant Classification Sherloc (09022015). Collection method: clinical testing. Allele origin: germline.
Comment: In summary, the available evidence is currently insufficient to determine the role of this variant in disease. Therefore, it has been classified as a Variant of Uncertain Significance. Variants that disrupt the consensus splice site are a relatively common cause of aberrant splicing (PMID: 17576681, 9536098). Algorithms developed to predict the effect of sequence changes on RNA splicing suggest that this variant may disrupt the consensus splice site. This variant has not been reported in the literature in individuals affected with CACNA1D-related conditions. This variant is not present in population databases (gnomAD no frequency). This sequence change falls in intron 39 of the CACNA1D gene. It does not directly change the encoded amino acid sequence of the CACNA1D protein. It affects a nucleotide within the consensus splice site.

Literature cited by the submitters: PubMed 17576681; PubMed 9536098.

NM_001128840.3(CACNA1D):c.4690+5G>A

Gene: CACNA1D (calcium voltage-gated channel subunit alpha1 D; plus strand). Cytogenetic location: 3p21.1.
Variant type: single nucleotide variant.
Coding change: c.4690+5G>A on transcript NM_001128840.3 (MANE Select); 5 bases into the intron after coding-DNA position 4690, G replaced by A.
Molecular consequence: intron variant.
Genome position (GRCh38, 1-based): chr3:53,780,133, G>A. VCF-style: chr3-53780133-G-A. GRCh37 (hg19) VCF-style: chr3-53814160-G-A.
Other names: c.4645+5G>A (NM_001128839.3); c.4750+5G>A (NM_000720.4).
Identifiers: ClinVar variation 2023194 (VCV002023194.4), dbSNP rs2095418169, ClinGen allele CA1048065646.